The following is an entry in ClinVar:

ClinVar aggregate classification (germline): Likely benign. Review status: criteria provided, multiple submitters, no conflicts (2 of 4 stars). 3 submissions from 3 submitters: Likely benign (3). Last evaluated 2024-10-16.

Conditions:
Epidermolysis bullosa simplex, Ogna type (EBS5A). Also called: Pidermolysis bullosa simplex 5A, Ogna type; EPIDERMOLYSIS BULLOSA SIMPLEX 5A, OGNA TYPE. Identifiers: Orphanet 79401, MedGen C0432317, MONDO:0007555, OMIM 131950.
Epidermolysis bullosa simplex 5C, with pyloric atresia (EBS5C). Also called: PLEC-Related Epidermolysis Bullosa with Pyloric Atresia; Epidermolysis bullosa simplex with pyloric atresia; PLEC1-Related Epidermolysis Bullosa with Pyloric Atresia. Identifiers: Orphanet 158684, MedGen C2677349, MONDO:0012807, OMIM 612138.
Epidermolysis bullosa simplex 5B, with muscular dystrophy (EBS5B). Also called: EPIDERMOLYSIS BULLOSA SIMPLEX AND LIMB-GIRDLE MUSCULAR DYSTROPHY; Epidermolysis bullosa simplex with muscular dystrophy. Identifiers: Orphanet 257, MedGen C2931072, MONDO:0009181, OMIM 226670.
Epidermolysis bullosa simplex with nail dystrophy (EBS5D). Identifiers: MedGen C4225309, MONDO:0014661, OMIM 616487.
Autosomal recessive limb-girdle muscular dystrophy type 2Q (LGMDR17). Also called: MUSCULAR DYSTROPHY, LIMB-GIRDLE, AUTOSOMAL RECESSIVE 17. Identifiers: Orphanet 254361, MedGen C3150989, MONDO:0013390, OMIM 613723.

Allele frequency attached by ClinVar (database versions not stated): gnomAD 0.00001 and 0.00003; TOPMed 0.00003; ExAC 0.00005.
gnomAD v4.1: 29 of 1,611,920 alleles (0.0018%); highest among the groups gnomAD compares: Admixed American, 0.0083%; no homozygotes.

Submissions (3):

Blueprint Genetics
Classification: Likely benign. Last evaluated: 2024-10-16. Review status: criteria provided, single submitter. Criteria: ACMG Guidelines, 2015. Collection method: clinical testing. Allele origin: germline.

Labcorp Genetics (formerly Invitae), Labcorp
Classification: Likely benign for Autosomal recessive limb-girdle muscular dystrophy type 2Q; Epidermolysis bullosa simplex, Ogna type; Epidermolysis bullosa simplex with nail dystrophy; Epidermolysis bullosa simplex 5C, with pyloric atresia; Epidermolysis bullosa simplex 5B, with muscular dystrophy. Last evaluated: 2023-09-11. Review status: criteria provided, single submitter. Criteria: Invitae Variant Classification Sherloc (09022015). Collection method: clinical testing. Allele origin: germline.

CeGaT Center for Human Genetics Tuebingen
Classification: Likely benign. Last evaluated: 2023-03-01. Review status: criteria provided, single submitter. Criteria: CeGaT Center For Human Genetics Tuebingen Variant Classification Criteria Version 2. Collection method: clinical testing. Allele origin: germline. Affected: yes. Observed: 1 variant allele.
Comment: PLEC: BP4, BP7

NM_201384.3(PLEC):c.13143C>T (p.Tyr4381=)

Gene: PLEC (plectin; minus strand). Cytogenetic location: 8q24.3.
Variant type: single nucleotide variant.
Coding change: c.13143C>T on transcript NM_201384.3 (MANE Select); coding-DNA position 13143, C replaced by T.
Protein change: p.Tyr4381=; no amino-acid change (tyrosine 4381 retained).
Molecular consequence: synonymous variant.
Genome position (GRCh38, 1-based): chr8:143,916,678, G>A on the plus strand (C>T on the coding strand, the complement: PLEC is on the minus strand). VCF-style: chr8-143916678-G-A. GRCh37 (hg19) VCF-style: chr8-144990846-G-A.
Other names: c.13224C>T, p.Tyr4408= (NM_000445.5); c.13101C>T, p.Tyr4367= (NM_201378.4); c.13077C>T, p.Tyr4359= (NM_201379.3); c.13554C>T, p.Tyr4518= (NM_201380.4); c.13047C>T, p.Tyr4349= (NM_201381.3); c.13143C>T, p.Tyr4381= (NM_201382.4); c.13155C>T, p.Tyr4385= (NM_201383.3).
Identifiers: ClinVar variation 703324 (VCV000703324.37), dbSNP rs567784072, ClinGen allele CA4923900.